The following is an entry in ClinVar:

NM_017617.5(NOTCH1):c.6222C>T (p.Tyr2074=)

Gene: NOTCH1 (notch receptor 1; minus strand). Cytogenetic location: 9q34.3.
Variant type: single nucleotide variant.
Coding change: c.6222C>T on transcript NM_017617.5 (MANE Select); coding-DNA position 6222, C replaced by T.
Protein change: p.Tyr2074=; no amino-acid change (tyrosine 2074 retained).
Molecular consequence: synonymous variant.
Genome position (GRCh38, 1-based): chr9:136,497,517, G>A on the plus strand (C>T on the coding strand, the complement: NOTCH1 is on the minus strand). VCF-style: chr9-136497517-G-A. GRCh37 (hg19) VCF-style: chr9-139391969-G-A.
Other names: c.6222C>T (NM_017617.4); c.6222C>T, p.Tyr2074= (LRG_1122t1).
Identifiers: ClinVar variation 264050 (VCV000264050.22), dbSNP rs764551640, ClinGen allele CA5339965.

ClinVar aggregate classification (germline): Benign/Likely benign. Review status: criteria provided, multiple submitters, no conflicts (2 of 4 stars). 7 submissions from 6 submitters: Benign (2); Likely benign (5). Last evaluated 2025-10-19.

Conditions:
NOTCH1-related disorder. Also called: NOTCH1-related disorders; NOTCH1-related condition.
Adams-Oliver syndrome 5 (AOS5). Identifiers: Orphanet 974, MedGen C4014970, MONDO:0014459, OMIM 616028.
Familial thoracic aortic aneurysm and aortic dissection (TAAD). Also called: Thoracic aortic aneurysms and dissections. Identifiers: Orphanet 91387, MedGen C4707243, MONDO:0019625.
Aortic valve disease 1 (AOVD1). Identifiers: MedGen C3887892, MONDO:0024523, OMIM 109730.

Allele frequency attached by ClinVar (database versions not stated): ExAC 0.00002; TOPMed 0.00003; gnomAD 0.00004; gnomAD exomes 0.00004 and 0.00006.
gnomAD v4.1: 92 of 1,610,256 alleles (0.0057%); highest among the groups gnomAD compares: Non-Finnish European, 0.0073%; no homozygotes.

Submissions (7):

PreventionGenetics, part of Exact Sciences
Classification: Likely benign for NOTCH1-related condition. Last evaluated: 2025-10-19. Review status: criteria provided, single submitter. Criteria: ACMG Guidelines, 2015. Collection method: clinical testing. Allele origin: germline.
Comment: This variant is classified as likely benign based on ACMG/AMP sequence variant interpretation guidelines (Richards et al. 2015 PMID: 25741868, with internal and published modifications).

Labcorp Genetics (formerly Invitae), Labcorp
Classification: Likely benign for Adams-Oliver syndrome 5. Last evaluated: 2025-10-07. Review status: criteria provided, single submitter. Criteria: Invitae Variant Classification Sherloc (09022015). Collection method: clinical testing. Allele origin: germline.

Genome-Nilou Lab
Classification: Benign for Adams-Oliver syndrome 5. Last evaluated: 2022-03-15. Review status: criteria provided, single submitter. Criteria: ACMG Guidelines, 2015. Collection method: clinical testing. Allele origin: germline. Affected: no.

Genome-Nilou Lab
Classification: Benign for Aortic valve disease 1. Last evaluated: 2022-03-15. Review status: criteria provided, single submitter. Criteria: ACMG Guidelines, 2015. Collection method: clinical testing. Allele origin: germline. Affected: no.

CHEO Genetics Diagnostic Laboratory, Children's Hospital of Eastern Ontario
Classification: Likely benign for Familial thoracic aortic aneurysm and aortic dissection. Last evaluated: 2021-11-02. Review status: criteria provided, single submitter. Criteria: ACMG Guidelines, 2015. Collection method: clinical testing. Allele origin: germline.

GeneDx
Classification: Likely benign. Last evaluated: 2020-07-31. Review status: criteria provided, single submitter. Criteria: GeneDx Variant Classification Process June 2021. Collection method: clinical testing. Allele origin: germline. Affected: yes.

Ambry Genetics
Classification: Likely benign for Familial thoracic aortic aneurysm and aortic dissection. Last evaluated: 2015-05-28. Review status: criteria provided, single submitter. Criteria: Ambry Variant Classification Scheme 2023. Collection method: clinical testing. Allele origin: germline.